The following is an entry in ClinVar:

ClinVar aggregate classification (germline): Uncertain significance. Review status: criteria provided, multiple submitters, no conflicts (2 of 4 stars). 2 submissions from 2 submitters: Uncertain significance (2). Last evaluated 2026-09-21.

Conditions:
ACD-related disorder. Also called: ACD-related condition.
Dyskeratosis congenita, autosomal dominant 6 (DKCA6). Identifiers: Orphanet 3322, MedGen C4225284, MONDO:0014690, OMIM 616553.

Submissions (2):

PreventionGenetics, part of Exact Sciences
Classification: Uncertain significance for ACD-related condition. Last evaluated: 2026-09-21. Review status: criteria provided, single submitter. Criteria: ACMG Guidelines, 2015. Collection method: clinical testing. Allele origin: germline.
Comment: The ACD c.69_81dup13 variant is predicted to result in a frameshift and premature protein termination (p.Ser28Valfs*96). To our knowledge, this variant has not been reported in the literature. This variant is reported in 0.013% of alleles in individuals of South Asian descent in gnomAD. Although we suspect that this variant may be pathogenic, at this time, the clinical significance of this variant is uncertain due to the absence of conclusive functional and genetic evidence.

Labcorp Genetics (formerly Invitae), Labcorp
Classification: Uncertain significance for Dyskeratosis congenita, autosomal dominant 6. Last evaluated: 2025-08-12. Review status: criteria provided, single submitter. Criteria: Invitae Variant Classification Sherloc (09022015). Collection method: clinical testing. Allele origin: germline.
Comment: This sequence change creates a premature translational stop signal (p.Ser28Valfs*96) in the ACD gene. It is expected to result in an absent or disrupted protein product. However, the current clinical and genetic evidence is not sufficient to establish whether loss-of-function variants in ACD cause disease. This variant is present in population databases (rs765015240, gnomAD 0.02%). This variant has not been reported in the literature in individuals affected with ACD-related conditions. ClinVar contains an entry for this variant (Variation ID: 1045472). In summary, the available evidence is currently insufficient to determine the role of this variant in disease. Therefore, it has been classified as a Variant of Uncertain Significance.

NM_001082486.1(ACD):c.69_81dup13

Genes: ACD (ACD shelterin complex subunit and telomerase recruitment factor; minus strand), LOC130059224 (ATAC-STARR-seq lymphoblastoid silent region 7617; plus strand). Cytogenetic location: 16q22.1.
Variant type: Duplication.
Coding change: c.69_81dup13 on transcript NM_001082486.1; coding-DNA positions 69 to 81, 13 bases duplicated (GTGGACCAGCGGG).
Genome position (GRCh38, 1-based): chr16:67,660,398-67,660,410, CCCGCTGGTCCAC duplicated on the plus strand (GTGGACCAGCGGG on the coding strand, the reverse complement: ACD is on the minus strand); duplicating any 13 consecutive bases within chr16:67,660,398-67,660,419 gives the same sequence; the c. name uses the placement nearest the transcript's 3' end. VCF-style (leftmost placement, unchanged base first): chr16-67660397-T-TCCCGCTGGTCCAC. GRCh37 (hg19) VCF-style: chr16-67694300-T-TCCCGCTGGTCCAC.
Identifiers: ClinVar variation 1045472 (VCV001045472.7), dbSNP rs757084527, ClinGen allele CA8114926.